The following is an entry in ClinVar:

ClinVar aggregate classification (germline): Conflicting classifications of pathogenicity. Review status: criteria provided, conflicting classifications (1 of 4 stars). 4 submissions from 4 submitters: Likely pathogenic (1); Uncertain significance (3). Last evaluated 2024-05-07.

Conditions:
Joubert syndrome 14 (JBTS14). Identifiers: MedGen C3280766, MONDO:0013745, OMIM 614424.

Allele frequency attached by ClinVar (database versions not stated): gnomAD 0.00003; gnomAD exomes 0.00004 and 0.00006; TOPMed 0.00007.

Submissions (4):

Blueprint Genetics
Classification: Uncertain significance. Last evaluated: 2024-05-07. Review status: criteria provided, single submitter. Criteria: ACMG Guidelines, 2015. Collection method: clinical testing. Allele origin: germline.

Fulgent Genetics
Classification: Likely pathogenic for Joubert syndrome 14. Last evaluated: 2024-01-12. Review status: criteria provided, single submitter. Criteria: ACMG Guidelines, 2015. Collection method: clinical testing. Allele origin: germline.

Labcorp Genetics (formerly Invitae), Labcorp
Classification: Uncertain significance for Joubert syndrome 14. Last evaluated: 2022-10-24. Review status: criteria provided, single submitter. Criteria: Invitae Variant Classification Sherloc (09022015). Collection method: clinical testing. Allele origin: germline.
Comment: This sequence change affects the initiator methionine of the TMEM237 mRNA. The next in-frame methionine is located at codon 206. This variant is present in population databases (no rsID available, gnomAD 0.01%). This variant has not been reported in the literature in individuals affected with TMEM237-related conditions. ClinVar contains an entry for this variant (Variation ID: 957799). In summary, the available evidence is currently insufficient to determine the role of this variant in disease. Therefore, it has been classified as a Variant of Uncertain Significance.

Women's Health and Genetics/Laboratory Corporation of America, LabCorp
Classification: Uncertain significance. Last evaluated: 2022-04-01. Review status: criteria provided, single submitter. Criteria: LabCorp Variant Classification Summary - May 2015. Collection method: clinical testing. Allele origin: germline.
Comment: Variant summary: TMEM237 c.1A>G (p.Met1Val) alters the initiation codon and is predicted to result either in absence of the protein or truncation of the encoded protein due to translation initiation at a downstream codon (next methionine is located at codon 206). Two of three in-silico tools predict a damaging effect of the variant on protein function. The variant allele was found at a frequency of 4e-05 in 126266 control chromosomes (gnomAD). The available data on variant occurrences in the general population are insufficient to allow any conclusion about variant significance. To our knowledge, no occurrence of c.1A>G in individuals affected with Joubert Syndrome And Related Disorders and no experimental evidence demonstrating its impact on protein function have been reported. A ClinVar submitter (evaluation after 2014) cites the variant as uncertain significance. Based on the evidence outlined above, the variant was classified as uncertain significance.

NM_001044385.3(TMEM237):c.1A>G (p.Met1Val)

Genes: TMEM237 (transmembrane protein 237; minus strand), LOC129935417 (ATAC-STARR-seq lymphoblastoid silent region 12235; plus strand). Cytogenetic location: 2q33.1.
Variant type: single nucleotide variant.
Coding change: c.1A>G on transcript NM_001044385.3 (MANE Select); coding-DNA position 1, A replaced by G.
Protein change: p.Met1Val; changes the start codon (methionine 1).
Molecular consequence: missense variant, initiator codon variant.
Genome position (GRCh38, 1-based): chr2:201,643,400, T>C on the plus strand (A>G on the coding strand, the complement: TMEM237 is on the minus strand). VCF-style: chr2-201643400-T-C. GRCh37 (hg19) VCF-style: chr2-202508123-T-C.
Other names: short protein forms M1V.
Identifiers: ClinVar variation 957799 (VCV000957799.8), dbSNP rs957203033, ClinGen allele CA63963870.